The following is an entry in ClinVar:

NM_021008.4(DEAF1):c.55G>C (p.Val19Leu)

Gene: DEAF1 (DEAF1 transcription factor; minus strand). Cytogenetic location: 11p15.5.
Variant type: single nucleotide variant.
Coding change: c.55G>C on transcript NM_021008.4 (MANE Select); coding-DNA position 55, G replaced by C.
Protein change: p.Val19Leu; replaces valine 19 with leucine.
Molecular consequence: missense variant. On other transcripts: intron variant (1).
Genome position (GRCh38, 1-based): chr11:694,993, C>G on the plus strand (G>C on the coding strand, the complement: DEAF1 is on the minus strand). VCF-style: chr11-694993-C-G. GRCh37 (hg19) VCF-style: chr11-694993-C-G.
Other names: c.55G>C (NM_021008.3); c.55G>C, p.Val19Leu (NM_001293634.2); c.-437-3395G>C (NM_001367390.1); short protein forms V19L.
Identifiers: ClinVar variation 3614229 (VCV003614229.3).

ClinVar aggregate classification (germline): Uncertain significance. Review status: criteria provided, multiple submitters, no conflicts (2 of 4 stars). 2 submissions from 2 submitters: Uncertain significance (2). Last evaluated 2025-03-04.

Conditions:
DEAF1-related disorder.

gnomAD v4.1: 1 of 1,200,730 alleles (0.000083%); highest among the groups gnomAD compares: Non-Finnish European, 0.0001%; no homozygotes.

Submissions (2):

PreventionGenetics, part of Exact Sciences
Classification: Uncertain significance for DEAF1-related condition. Last evaluated: 2025-03-04. Review status: criteria provided, single submitter. Criteria: ACMG Guidelines, 2015. Collection method: clinical testing. Allele origin: germline.
Comment: The DEAF1 c.55G>C variant is predicted to result in the amino acid substitution p.Val19Leu. To our knowledge, this variant has not been reported in the literature or in gnomAD, indicating this variant is rare. At this time, the clinical significance of this variant is uncertain due to the absence of conclusive functional and genetic evidence.

Labcorp Genetics (formerly Invitae), Labcorp
Classification: Uncertain significance. Last evaluated: 2024-09-06. Review status: criteria provided, single submitter. Criteria: Invitae Variant Classification Sherloc (09022015). Collection method: clinical testing. Allele origin: germline.
Comment: This sequence change replaces valine, which is neutral and non-polar, with leucine, which is neutral and non-polar, at codon 19 of the DEAF1 protein (p.Val19Leu). This variant is not present in population databases (gnomAD no frequency). This variant has not been reported in the literature in individuals affected with DEAF1-related conditions. Invitae Evidence Modeling of protein sequence and biophysical properties (such as structural, functional, and spatial information, amino acid conservation, physicochemical variation, residue mobility, and thermodynamic stability) indicates that this missense variant is not expected to disrupt DEAF1 protein function with a negative predictive value of 80%. In summary, the available evidence is currently insufficient to determine the role of this variant in disease. Therefore, it has been classified as a Variant of Uncertain Significance.